The following is an entry in ClinVar:

NM_000038.6(APC):c.5026dup (p.Arg1676fs)

Gene: APC (APC regulator of Wnt signaling pathway; plus strand). Cytogenetic location: 5q22.2.
Variant type: Duplication.
Coding change: c.5026dup on transcript NM_000038.6 (MANE Select); coding-DNA position 5026, one base duplicated (A; older notation c.5026dupA).
Protein change: p.Arg1676fs; shifts the reading frame from arginine 1676.
Molecular consequence: frameshift variant. On other transcripts: non-coding transcript variant (2).
Genome position (GRCh38, 1-based): chr5:112,840,620, A duplicated. VCF-style (leftmost placement, unchanged base first): chr5-112840619-T-TA. GRCh37 (hg19) VCF-style: chr5-112176316-T-TA.
Other names: c.5026dup, p.Arg1676fs (NM_001127510.3, NM_001354895.2, NM_001407450.1); c.4972dup, p.Arg1658fs (NM_001127511.3); c.5080dup, p.Arg1694fs (NM_001354896.2, NM_001407447.1, NM_001407448.1 and 1 more transcripts); c.5056dup, p.Arg1686fs (NM_001354897.2); c.4951dup, p.Arg1651fs (NM_001354898.2); c.4942dup, p.Arg1648fs (NM_001354899.2); c.4903dup, p.Arg1635fs (NM_001354900.2); c.4849dup, p.Arg1617fs (NM_001354901.2, NM_001407453.1); and 11 more; short protein forms R1292fs, R1393fs, R1516fs, R1547fs, R1550fs, R1575fs, R1585fs, R1593fs.
Identifiers: ClinVar variation 4294255 (VCV004294255.1).

ClinVar aggregate classification (germline): Pathogenic (1 of 4 stars; one submission).

Conditions:
Familial adenomatous polyposis 1 (FAP1). Also called: FAMILIAL ADENOMATOUS POLYPOSIS 1, ATTENUATED; POLYPOSIS, ADENOMATOUS INTESTINAL. Identifiers: MedGen C2713442, MONDO:0021056, OMIM 175100. Disease mechanism: loss of function.

Submission:

Myriad Genetics, Inc.
Classification: Pathogenic for Familial adenomatous polyposis 1. Last evaluated: 2025-08-13. Review status: criteria provided, single submitter. Criteria: Myriad Autosomal Dominant, Autosomal Recessive and X-Linked Classification Criteria (2023). Collection method: clinical testing. Allele origin: unknown.
Comment: This variant is considered pathogenic. This variant creates a frameshift predicted to result in premature protein truncation.